The following is an entry in ClinVar:

NM_001040167.2(LFNG):c.443dup (p.Thr149fs)

Gene: LFNG (LFNG O-fucosylpeptide 3-beta-N-acetylglucosaminyltransferase; plus strand). Cytogenetic location: 7p22.3.
Variant type: Duplication.
Coding change: c.443dup on transcript NM_001040167.2 (MANE Select); coding-DNA position 443, one base duplicated (T; older notation c.443dupT).
Protein change: p.Thr149fs; shifts the reading frame from threonine 149.
Molecular consequence: frameshift variant.
Genome position (GRCh38, 1-based): chr7:2,524,705, T duplicated; the last of 2 consecutive T bases (chr7:2,524,704-2,524,705); duplicating either gives the same sequence. VCF-style (leftmost placement, unchanged base first): chr7-2524703-C-CT. GRCh37 (hg19) VCF-style: chr7-2564337-C-CT.
Other names: c.443dup, p.Thr149fs (NM_001040168.2); c.230dup, p.Thr78fs (NM_001166355.2); c.56dup, p.Thr20fs (NM_002304.3); short protein forms T149fs, T78fs, T20fs.
Identifiers: ClinVar variation 1976681 (VCV001976681.5), dbSNP rs1779898374, ClinGen allele CA2580076699.

ClinVar aggregate classification (germline): Pathogenic (1 of 4 stars; one submission).

Conditions:
Spondylocostal dysostosis 3, autosomal recessive (SCDO3). Also called: LFNG-Related Spondylocostal Dysostosis, Autosomal Recessive. Identifiers: Orphanet 2311, MedGen C1853296, MONDO:0012349, OMIM 609813.

Submission:

Labcorp Genetics (formerly Invitae), Labcorp
Classification: Pathogenic for Spondylocostal dysostosis 3, autosomal recessive. Last evaluated: 2022-02-05. Review status: criteria provided, single submitter. Criteria: Invitae Variant Classification Sherloc (09022015). Collection method: clinical testing. Allele origin: germline.
Comment: This sequence change creates a premature translational stop signal (p.Thr149Hisfs*2) in the LFNG gene. It is expected to result in an absent or disrupted protein product. Loss-of-function variants in LFNG are known to be pathogenic (PMID: 16385447, 29459493). This variant is not present in population databases (gnomAD no frequency). This variant has not been reported in the literature in individuals affected with LFNG-related conditions. For these reasons, this variant has been classified as Pathogenic.

Literature cited by the submitters: PubMed 16385447; PubMed 29459493.